The following is an entry in ClinVar:

ClinVar aggregate classification (germline): Uncertain significance (1 of 4 stars; one submission).

Conditions:
MYO15A-related disorder. Also called: MYO15A-related condition.

gnomAD v4.1: 1 of 1,596,236 alleles (0.000063%); no homozygotes.

Submission:

PreventionGenetics, part of Exact Sciences
Classification: Uncertain significance for MYO15A-related condition. Last evaluated: 2025-03-07. Review status: criteria provided, single submitter. Criteria: ACMG Guidelines, 2015. Collection method: clinical testing. Allele origin: germline.
Comment: The MYO15A c.7418C>T variant is predicted to result in the amino acid substitution p.Ala2473Val. To our knowledge, this variant has not been reported in the literature or in a large population database (gnomAD), indicating this variant is rare. At this time, the clinical significance of this variant is uncertain due to the absence of conclusive functional and genetic evidence.

NM_016239.4(MYO15A):c.7418C>T (p.Ala2473Val)

Gene: MYO15A (myosin XVA; plus strand). Cytogenetic location: 17p11.2.
Variant type: single nucleotide variant.
Coding change: c.7418C>T on transcript NM_016239.4 (MANE Select); coding-DNA position 7418, C replaced by T.
Protein change: p.Ala2473Val; replaces alanine 2473 with valine.
Molecular consequence: missense variant.
Genome position (GRCh38, 1-based): chr17:18,150,858, C>T. VCF-style: chr17-18150858-C-T. GRCh37 (hg19) VCF-style: chr17-18054172-C-T.
Other names: short protein forms A2473V.
Identifiers: ClinVar variation 4981293 (VCV004981293.1).
Genomic context (GRCh38, chr17:18,150,858, plus strand): 5'-AATGGACCTGCCTGGTCACCACTGCCACCTCTCCCCAGGCCCGGGAGATGACCCTGCAGG[C>T]CACGGCACTCCAGCAGCAGCCCCTGAGTGCTGCCCTGAGATCCTTGCCCGCAGAGGTGAG-3'
Protein context (NP_057323.3, residues 2463-2483): VLLAREMTLQ[Ala2473Val]TALQQQPLSA